The following is an entry in ClinVar:

NM_016427.3(ELOA2):c.1716A>G (p.Lys572=)

Genes: ELOA2 (elongin A2; minus strand), KATNAL2 (katanin catalytic subunit A1 like 2; plus strand). Cytogenetic location: 18q21.1.
Variant type: single nucleotide variant.
Coding change: c.1716A>G on transcript NM_016427.3 (MANE Select); coding-DNA position 1716, A replaced by G.
Protein change: p.Lys572=; no amino-acid change (lysine 572 retained).
Molecular consequence: synonymous variant. On other transcripts: intron variant (14).
Genome position (GRCh38, 1-based): chr18:47,033,549, T>C on the plus strand (A>G on the coding strand, the complement: ELOA2 is on the minus strand). VCF-style: chr18-47033549-T-C. GRCh37 (hg19) VCF-style: chr18-44559920-T-C.
Other names: c.-1-24686T>C (NM_001353904.1, NM_001353903.1, NM_001353907.1 and 3 more transcripts); c.130-12908T>C (NM_001353899.1, NM_001353900.1, NM_001353902.1); c.52-12908T>C (NM_001353901.1, NM_001387690.1, NM_001367621.1); c.-294-12908T>C (NM_001353905.1); c.-94-19331T>C (NM_031303.3).
Identifiers: ClinVar variation 3389226 (VCV003389226.14).
Genomic context (GRCh38, chr18:47,033,549, plus strand): 5'-GTCCTGGAAACAATGATTCCTCCGTAATTCGTCTGTCTCTCTAACGAGTGCGTGATTGTC[T>C]TTCTTTCTGCGATACAGCTGATCGGGCCTCCACCCTTCCAGAACAGGTTCAAGAACCCAG-3'
Protein context (NP_057511.2, residues 562-582): WRPDQLYRRK[Lys572=]DNHALVRETD

ClinVar aggregate classification (germline): Likely benign (1 of 4 stars; one submission).

gnomAD v4.1: 41 of 1,612,466 alleles (0.0025%); highest among the groups gnomAD compares: African/African-American, 0.04%; no homozygotes.

Submission:

CeGaT Center for Human Genetics Tuebingen
Classification: Likely benign. Last evaluated: 2024-11-01. Review status: criteria provided, single submitter. Criteria: CeGaT Center For Human Genetics Tuebingen Variant Classification Criteria Version 2. Collection method: clinical testing. Allele origin: germline. Affected: yes. Observed: 1 variant allele.
Comment: ELOA2: BP4, BP7